The following is an entry in ClinVar:

NM_001303256.3(MORC2):c.229G>C (p.Asp77His)

Gene: MORC2 (MORC family CW-type zinc finger 2; minus strand). Cytogenetic location: 22q12.2.
Variant type: single nucleotide variant.
Coding change: c.229G>C on transcript NM_001303256.3 (MANE Select); coding-DNA position 229, G replaced by C.
Protein change: p.Asp77His; replaces aspartic acid 77 with histidine.
Molecular consequence: missense variant.
Genome position (GRCh38, 1-based): chr22:30,949,840, C>G on the plus strand (G>C on the coding strand, the complement: MORC2 is on the minus strand). VCF-style: chr22-30949840-C-G. GRCh37 (hg19) VCF-style: chr22-31345826-C-G.
Other names: c.229G>C, p.Asp77His (NM_001303257.2); c.43G>C, p.Asp15His (NM_014941.3); short protein forms D15H, D77H.
Identifiers: ClinVar variation 3256794 (VCV003256794.1).

ClinVar aggregate classification (germline): Likely pathogenic (0 of 4 stars; one submission).

Conditions:
Charcot-Marie-Tooth disease axonal type 2Z. Also called: CHARCOT-MARIE-TOOTH DISEASE, AXONAL, AUTOSOMAL DOMINANT, TYPE 2Z; CHARCOT-MARIE-TOOTH NEUROPATHY, TYPE 2Z. Identifiers: Orphanet 466768, MedGen C5569025, MONDO:0014736, OMIM 616688.

Submission:

Solve-RD Consortium
Classification: Likely pathogenic for Charcot-Marie-Tooth disease axonal type 2Z. Last evaluated: 2022-06-01. Review status: no assertion criteria provided. Collection method: provider interpretation. Allele origin: de novo. Affected: yes.
Comment: Variant confirmed as disease-causing by referring clinical team

Variant identified during reanalysis of unsolved cases by the Solve-RD project. The Solve-RD project has received funding from the European Union’s Horizon 2020 research and innovation programme under grant agreement No 779257.

Literature cited by the submitters: PubMed 39825153.